The following is an entry in ClinVar:

ClinVar aggregate classification (germline): Uncertain significance. Review status: criteria provided, multiple submitters, no conflicts (2 of 4 stars). 2 submissions from 2 submitters: Uncertain significance (2). Last evaluated 2022-08-16.

Conditions:
Asphyxiating thoracic dystrophy 3. Also called: SHORT-RIB THORACIC DYSPLASIA 3 WITH OR WITHOUT POLYDACTYLY; POLYDACTYLY WITH NEONATAL CHONDRODYSTROPHY, TYPE I; SHORT-RIB THORACIC DYSPLASIA 3/6 WITH POLYDACTYLY, DIGENIC; Short rib polydactyly syndrome 2B; Saldino-Noonan Syndrome. Identifiers: Orphanet 474, Orphanet 93269, Orphanet 93270, Orphanet 93271, MedGen C0036069, MONDO:0013127, OMIM 613091.
Jeune thoracic dystrophy. Also called: Jeune syndrome; Infantile thoracic dystrophy; Thoracic pelvic phalangeal dystrophy; Jeune's syndrome; Chondroectodermal dysplasia-like syndrome; Short-rib thoracic dysplasia. Identifiers: Orphanet 474, MedGen C0265275, MONDO:0018770.

Allele frequency attached by ClinVar (database versions not stated): gnomAD exomes 0.00002 and 0.00003; ExAC 0.00017.

Submissions (2):

Labcorp Genetics (formerly Invitae), Labcorp
Classification: Uncertain significance for Jeune thoracic dystrophy. Last evaluated: 2022-08-16. Review status: criteria provided, single submitter. Criteria: Invitae Variant Classification Sherloc (09022015). Collection method: clinical testing. Allele origin: germline.
Comment: This sequence change replaces histidine, which is basic and polar, with arginine, which is basic and polar, at codon 943 of the DYNC2H1 protein (p.His943Arg). This variant is present in population databases (rs747923490, gnomAD 0.02%). This variant has not been reported in the literature in individuals affected with DYNC2H1-related conditions. ClinVar contains an entry for this variant (Variation ID: 877837). Advanced modeling of protein sequence and biophysical properties (such as structural, functional, and spatial information, amino acid conservation, physicochemical variation, residue mobility, and thermodynamic stability) performed at Invitae indicates that this missense variant is not expected to disrupt DYNC2H1 protein function. In summary, the available evidence is currently insufficient to determine the role of this variant in disease. Therefore, it has been classified as a Variant of Uncertain Significance.

Illumina Laboratory Services, Illumina
Classification: Uncertain significance for Asphyxiating thoracic dystrophy 3. Last evaluated: 2018-01-13. Review status: criteria provided, single submitter. Criteria: ICSL Variant Classification Criteria 13 December 2019. Collection method: clinical testing. Allele origin: germline.

NM_001377.3(DYNC2H1):c.2828A>G (p.His943Arg)

Gene: DYNC2H1 (dynein cytoplasmic 2 heavy chain 1; plus strand). Cytogenetic location: 11q22.3.
Variant type: single nucleotide variant.
Coding change: c.2828A>G on transcript NM_001377.3 (MANE Select); coding-DNA position 2828, A replaced by G.
Protein change: p.His943Arg; replaces histidine 943 with arginine.
Molecular consequence: missense variant.
Genome position (GRCh38, 1-based): chr11:103,148,499, A>G. VCF-style: chr11-103148499-A-G. GRCh37 (hg19) VCF-style: chr11-103019228-A-G.
Other names: c.2828A>G, p.His943Arg (NM_001080463.2); short protein forms H943R.
Identifiers: ClinVar variation 877837 (VCV000877837.5), dbSNP rs747923490, ClinGen allele CA6253183.